The following is an entry in ClinVar:

NM_002230.4(JUP):c.660C>T (p.Leu220=)

Gene: JUP (junction plakoglobin; minus strand). Cytogenetic location: 17q21.2.
Variant type: single nucleotide variant.
Coding change: c.660C>T on transcript NM_002230.4 (MANE Select); coding-DNA position 660, C replaced by T.
Protein change: p.Leu220=; no amino-acid change (leucine 220 retained).
Molecular consequence: synonymous variant.
Genome position (GRCh38, 1-based): chr17:41,769,016, G>A on the plus strand (C>T on the coding strand, the complement: JUP is on the minus strand). VCF-style: chr17-41769016-G-A. GRCh37 (hg19) VCF-style: chr17-39925268-G-A.
Other names: c.660C>T, p.Leu220= (NM_001352773.2, NM_001352774.2, NM_001352775.2 and 3 more transcripts); c.660C>T (NM_021991.2).
Identifiers: ClinVar variation 696776 (VCV000696776.13), dbSNP rs782771003, ClinGen allele CA8565420.

ClinVar aggregate classification (germline): Likely benign. Review status: criteria provided, multiple submitters, no conflicts (2 of 4 stars). 4 submissions from 4 submitters: Likely benign (3). 1 of the submissions does not count toward it. Last evaluated 2025-12-02.

Conditions:
Naxos disease (NXD). Also called: WOOLLY HAIR, PALMOPLANTAR KERATODERMA, AND CARDIAC ABNORMALITIES; KERATOSIS PALMOPLANTARIS WITH ARRHYTHMOGENIC CARDIOMYOPATHY; MAL DE NAXOS; PALMOPLANTAR KERATODERMA WITH ARRHYTHMOGENIC RIGHT VENTRICULAR CARDIOMYOPATHY AND WOOLLY HAIR; CARDIOMYOPATHY, ARRHYTHMOGENIC RIGHT VENTRICULAR, WITH SKIN, HAIR, AND NAIL ABNORMALITIES. Identifiers: Orphanet 34217, MedGen C1832600, MONDO:0011017, OMIM 601214.
Arrhythmogenic right ventricular dysplasia 12. Also called: ARRHYTHMOGENIC RIGHT VENTRICULAR DYSPLASIA, FAMILIAL, 12. Identifiers: MedGen C1969081, MONDO:0012684, OMIM 611528.
JUP-related disorder. Also called: JUP-related condition.
Cardiovascular phenotype. Identifiers: MedGen CN230736.

Allele frequency attached by ClinVar (database versions not stated): ExAC 0.00001; gnomAD 0.00002; gnomAD exomes 0.00002; TOPMed 0.00005.

Submissions (4):

Labcorp Genetics (formerly Invitae), Labcorp
Classification: Likely benign for Arrhythmogenic right ventricular dysplasia 12; Naxos disease. Last evaluated: 2025-12-02. Review status: criteria provided, single submitter. Criteria: Invitae Variant Classification Sherloc (09022015). Collection method: clinical testing. Allele origin: germline.

Women's Health and Genetics/Laboratory Corporation of America, LabCorp
Classification: Likely benign. Last evaluated: 2024-06-17. Review status: criteria provided, single submitter. Criteria: LabCorp Variant Classification Summary - May 2015. Collection method: clinical testing. Allele origin: germline.

Ambry Genetics
Classification: Likely benign for Cardiovascular phenotype. Last evaluated: 2019-12-10. Review status: criteria provided, single submitter. Criteria: Ambry Variant Classification Scheme 2023. Collection method: clinical testing. Allele origin: germline.

PreventionGenetics, part of Exact Sciences
Classification: Likely benign for JUP-related condition. Last evaluated: 2019-05-03. Review status: no assertion criteria provided. Collection method: clinical testing. Allele origin: germline. Not counted in ClinVar's aggregate classification.
Comment: This variant is classified as likely benign based on ACMG/AMP sequence variant interpretation guidelines (Richards et al. 2015 PMID: 25741868, with internal and published modifications).